The following is an entry in ClinVar:

NM_000426.4(LAMA2):c.3529G>A (p.Glu1177Lys)

Gene: LAMA2 (laminin subunit alpha 2; plus strand). Cytogenetic location: 6q22.33.
Variant type: single nucleotide variant.
Coding change: c.3529G>A on transcript NM_000426.4 (MANE Select); coding-DNA position 3529, G replaced by A.
Protein change: p.Glu1177Lys; replaces glutamic acid 1177 with lysine.
Molecular consequence: missense variant.
Genome position (GRCh38, 1-based): chr6:129,314,772, G>A. VCF-style: chr6-129314772-G-A. GRCh37 (hg19) VCF-style: chr6-129635917-G-A.
Other names: p.Glu1177Lys; c.3529G>A, p.Glu1177Lys (NM_001079823.2); short protein forms E1177K.
Identifiers: ClinVar variation 4541215 (VCV004541215.1).
Genomic context (GRCh38, chr6:129,314,772, plus strand): 5'-GCCAAGAATCCACTTGGCTGCAGCAGCTGCTATTGCTTCGGCACTACTACCCAGTGCTCT[G>A]AAGCAAAAGGACTGATCCGGACGTGGGTGAGTAGGGAACTGCTGAGCCATGTAATGGTAT-3'
Protein context (NP_000417.3, residues 1167-1187): YCFGTTTQCS[Glu1177Lys]AKGLIRTWVT

ClinVar aggregate classification (germline): Uncertain significance (1 of 4 stars; one submission).

gnomAD v4.1: 5 of 1,614,082 alleles (0.00031%); highest among the groups gnomAD compares: Non-Finnish European, 0.00042%; no homozygotes.

Submission:

Mayo Clinic Laboratories, Mayo Clinic
Classification: Uncertain significance. Last evaluated: 2025-03-11. Review status: criteria provided, single submitter. Criteria: ACMG Guidelines, 2015. Collection method: clinical testing. Allele origin: germline. Observed: 1 variant allele.
Comment: PM2_supporting